The following is an entry in ClinVar:

ClinVar aggregate classification (germline): Uncertain significance (1 of 4 stars; one submission).

Conditions:
Tuberous sclerosis 2 (TSC2). Identifiers: Orphanet 805, MedGen C1860707, MONDO:0013199, OMIM 613254.

Submission:

Labcorp Genetics (formerly Invitae), Labcorp
Classification: Uncertain significance for Tuberous sclerosis 2. Last evaluated: 2020-01-16. Review status: criteria provided, single submitter. Criteria: Invitae Variant Classification Sherloc (09022015). Collection method: clinical testing. Allele origin: germline.
Comment: In summary, the available evidence is currently insufficient to determine the role of this variant in disease. Therefore, it has been classified as a Variant of Uncertain Significance. Algorithms developed to predict the effect of missense changes on protein structure and function (SIFT, PolyPhen-2, Align-GVGD) all suggest that this variant is likely to be disruptive, but these predictions have not been confirmed by published functional studies and their clinical significance is uncertain. This variant has not been reported in the literature in individuals with TSC2-related conditions. This variant is not present in population databases (ExAC no frequency). This sequence change replaces glutamic acid with valine at codon 337 of the TSC2 protein (p.Glu337Val). The glutamic acid residue is highly conserved and there is a moderate physicochemical difference between glutamic acid and valine.

NM_000548.5(TSC2):c.1010A>T (p.Glu337Val)

Gene: TSC2 (TSC complex subunit 2; plus strand). Cytogenetic location: 16p13.3.
Variant type: single nucleotide variant.
Coding change: c.1010A>T on transcript NM_000548.5 (MANE Select); coding-DNA position 1010, A replaced by T.
Protein change: p.Glu337Val; replaces glutamic acid 337 with valine.
Molecular consequence: missense variant.
Genome position (GRCh38, 1-based): chr16:2,060,704, A>T. VCF-style: chr16-2060704-A-T. GRCh37 (hg19) VCF-style: chr16-2110705-A-T.
Other names: c.1010A>T, p.Glu337Val (NM_001077183.3, NM_001114382.3, NM_001363528.2 and 3 more transcripts); c.899A>T, p.Glu300Val (NM_001318827.2); c.863A>T, p.Glu288Val (NM_001318829.2); c.410A>T, p.Glu137Val (NM_001318831.2); c.1043A>T, p.Glu348Val (NM_001318832.2); short protein forms E288V, E300V, E337V, E137V, E348V.
Identifiers: ClinVar variation 639561 (VCV000639561.8), dbSNP rs1596298246, ClinGen allele CA394317470.